The following is an entry in ClinVar:

NM_000077.5(CDKN2A):c.298G>A (p.Ala100Thr)

Gene: CDKN2A (cyclin dependent kinase inhibitor 2A; minus strand). Cytogenetic location: 9p21.3.
Variant type: single nucleotide variant.
Coding change: c.298G>A on transcript NM_000077.5; coding-DNA position 298, G replaced by A.
Protein change: p.Ala100Thr; replaces alanine 100 with threonine.
Molecular consequence: missense variant (on NM_000077.6). On other transcripts: 3 prime UTR variant (1).
Genome position (GRCh38, 1-based): chr9:21,971,061, C>T on the plus strand (G>A on the coding strand, the complement: CDKN2A is on the minus strand). VCF-style: chr9-21971061-C-T. GRCh37 (hg19) VCF-style: chr9-21971060-C-T.
Other names: c.298G>A, p.Ala100Thr (NM_000077.6, NM_001195132.2); c.145G>A, p.Ala49Thr (NM_001363763.2); c.341G>A, p.Gly114Asp (NM_058195.4); c.*221G>A (NM_058197.5); short protein forms G114D, A100T, A49T.
Identifiers: ClinVar variation 629701 (VCV000629701.4), dbSNP rs200863613, ClinGen allele CA373086113.

ClinVar aggregate classification (germline): Uncertain significance. Review status: criteria provided, multiple submitters, no conflicts (2 of 4 stars). 2 submissions from 2 submitters: Uncertain significance (2). Last evaluated 2021-03-25.

Conditions:
Hereditary cancer-predisposing syndrome. Also called: Tumor predisposition; Neoplastic Syndromes, Hereditary; Hereditary Cancer Syndrome; Hereditary neoplastic syndrome. Identifiers: Orphanet 140162, MedGen C0027672, MeSH D009386, MONDO:0015356.

gnomAD v4.1: 1 of 1,605,346 alleles (0.000062%); highest among the groups gnomAD compares: South Asian, 0.0011%; no homozygotes.

Submissions (2):

Ambry Genetics
Classification: Uncertain significance for Hereditary cancer-predisposing syndrome. Last evaluated: 2021-03-25. Review status: criteria provided, single submitter. Criteria: Ambry Variant Classification Scheme 2023. Collection method: clinical testing. Allele origin: germline.
Comment: The p.A100T variant (also known as c.298G>A), located in coding exon 2 of the CDKN2A gene, results from a G to A substitution at nucleotide position 298. The alanine at codon 100 is replaced by threonine, an amino acid with similar properties. This amino acid position is well conserved in available vertebrate species. In addition, the in silico prediction for this alteration is inconclusive. Since supporting evidence is limited at this time, the clinical significance of this alteration remains unclear.

Color Diagnostics, LLC DBA Color Health
Classification: Uncertain significance for Hereditary cancer-predisposing syndrome. Last evaluated: 2018-10-20. Review status: criteria provided, single submitter. Criteria: ACMG Guidelines, 2015. Collection method: clinical testing. Allele origin: germline.